The following is an entry in ClinVar:

NM_000143.4(FH):c.1236+1G>A

Gene: FH (fumarate hydratase; minus strand). Cytogenetic location: 1q43.
Variant type: single nucleotide variant.
Coding change: c.1236+1G>A on transcript NM_000143.4 (MANE Select); the canonical splice donor site of the intron after coding-DNA position 1236, G replaced by A.
Molecular consequence: splice donor variant.
Genome position (GRCh38, 1-based): chr1:241,502,442, C>T on the plus strand (G>A on the coding strand, the complement: FH is on the minus strand). VCF-style: chr1-241502442-C-T. GRCh37 (hg19) VCF-style: chr1-241665742-C-T.
Identifiers: ClinVar variation 529817 (VCV000529817.12), dbSNP rs1131691249, ClinGen allele CA345437207.

ClinVar aggregate classification (germline): Pathogenic/Likely pathogenic. Review status: criteria provided, multiple submitters, no conflicts (2 of 4 stars). 2 submissions from 2 submitters: Pathogenic (1); Likely pathogenic (1). Last evaluated 2026-05-22.

Conditions:
Hereditary cancer-predisposing syndrome. Also called: Tumor predisposition; Hereditary neoplastic syndrome; Neoplastic Syndromes, Hereditary; Hereditary Cancer Syndrome. Identifiers: Orphanet 140162, MedGen C0027672, MeSH D009386, MONDO:0015356.

Allele frequency attached by ClinVar (database versions not stated): gnomAD exomes below 0.00001.
gnomAD v4.1: 1 of 1,613,986 alleles (0.000062%); highest among the groups gnomAD compares: Non-Finnish European, 0.000085%; no homozygotes.

Submissions (2):

Ambry Genetics
Classification: Likely pathogenic for Hereditary cancer-predisposing syndrome. Last evaluated: 2026-05-22. Review status: criteria provided, single submitter. Criteria: Ambry Variant Classification Scheme 2023. Collection method: clinical testing. Allele origin: germline.
Comment: The c.1236+1G>A intronic variant results from a G to A substitution one nucleotide after coding exon 8 of the FH gene. This nucleotide position is highly conserved in available vertebrate species. In silico splice site analysis predicts that this alteration will weaken the native splice donor site; however, direct evidence is insufficient at this time (Ambry internal data). Another variant impacting the same donor site (c.1236+1G>C) has been identified in individuals with features consistent with FH-related tumor predisposition syndrome (Ambry internal data). This variant is considered to be rare based on population cohorts in the Genome Aggregation Database (gnomAD). Alterations that disrupt the canonical splice site are expected to cause aberrant splicing, resulting in an abnormal protein or a transcript that is subject to nonsense-mediated mRNA decay. As such, this alteration is classified as likely pathogenic.

Labcorp Genetics (formerly Invitae), Labcorp
Classification: Pathogenic. Last evaluated: 2025-05-18. Review status: criteria provided, single submitter. Criteria: Invitae Variant Classification Sherloc (09022015). Collection method: clinical testing. Allele origin: germline.
Comment: This sequence change affects a donor splice site in intron 8 of the FH gene. RNA analysis indicates that disruption of this splice site induces altered splicing and may result in an absent or altered protein product. This variant is not present in population databases (gnomAD no frequency). Disruption of this splice site has been observed in individuals with clinical features of hereditary leiomyomatosis and renal cell cancer (internal data). ClinVar contains an entry for this variant (Variation ID: 529817). Studies have shown that disruption of this splice site results in skipping of exon 8, and produces a non-functional protein and/or introduces a premature termination codon (internal data). For these reasons, this variant has been classified as Pathogenic.